The following is an entry in ClinVar:

ClinVar aggregate classification (germline): Pathogenic/Likely pathogenic. Review status: criteria provided, multiple submitters, no conflicts (2 of 4 stars). 4 submissions from 4 submitters: Pathogenic (2); Likely pathogenic (1). 1 of the submissions does not count toward it. Last evaluated 2024-11-18.

Conditions:
Propionic acidemia (PROP). Also called: GLYCINEMIA, KETOTIC; HYPERGLYCINEMIA WITH KETOACIDOSIS AND LEUKOPENIA; KETOTIC HYPERGLYCINEMIA. Identifiers: Orphanet 35, MedGen C0268579, MONDO:0011628, OMIM 606054, HP:0003571.

gnomAD v4.1: 1 of 1,614,176 alleles (0.000062%); no homozygotes.

Submissions (4):

GeneDx
Classification: Pathogenic. Last evaluated: 2024-11-18. Review status: criteria provided, single submitter. Criteria: GeneDx Variant Classification Process June 2021. Collection method: clinical testing. Allele origin: germline. Affected: yes.
Comment: Nonsense variant predicted to result in protein truncation or nonsense mediated decay in a gene for which loss of function is a known mechanism of disease; Not observed at significant frequency in large population cohorts (gnomAD); Has not been previously published as pathogenic or benign to our knowledge

Labcorp Genetics (formerly Invitae), Labcorp
Classification: Pathogenic for Propionic acidemia. Last evaluated: 2023-10-28. Review status: criteria provided, single submitter. Criteria: Invitae Variant Classification Sherloc (09022015). Collection method: clinical testing. Allele origin: germline.
Comment: This sequence change creates a premature translational stop signal (p.Glu477*) in the PCCB gene. It is expected to result in an absent or disrupted protein product. Loss-of-function variants in PCCB are known to be pathogenic (PMID: 15464417). This variant is not present in population databases (gnomAD no frequency). This variant has not been reported in the literature in individuals affected with PCCB-related conditions. ClinVar contains an entry for this variant (Variation ID: 552313). For these reasons, this variant has been classified as Pathogenic.

Baylor Genetics
Classification: Likely pathogenic for Propionic acidemia. Last evaluated: 2022-04-09. Review status: criteria provided, single submitter. Criteria: ACMG Guidelines, 2015. Collection method: clinical testing. Allele origin: unknown.

Counsyl
Classification: Likely pathogenic for Propionic acidemia. Last evaluated: 2017-06-05. Review status: no assertion criteria provided. Collection method: clinical testing. Allele origin: unknown. Not counted in ClinVar's aggregate classification.

Literature cited by the submitters: PubMed 15464417 (cited by Labcorp Genetics (formerly Invitae), Labcorp).

NM_000532.5(PCCB):c.1429G>T (p.Glu477Ter)

Gene: PCCB (propionyl-CoA carboxylase subunit beta; plus strand). Cytogenetic location: 3q22.3.
Variant type: single nucleotide variant.
Coding change: c.1429G>T on transcript NM_000532.5 (MANE Select); coding-DNA position 1429, G replaced by T.
Protein change: p.Glu477Ter; replaces glutamic acid 477 with a stop codon.
Molecular consequence: nonsense.
Genome position (GRCh38, 1-based): chr3:136,328,788, G>T. VCF-style: chr3-136328788-G-T. GRCh37 (hg19) VCF-style: chr3-136047630-G-T.
Other names: c.1489G>T, p.Glu497Ter (NM_001178014.2); short protein forms E477*, E497*.
Identifiers: ClinVar variation 552313 (VCV000552313.9), dbSNP rs1553784921, ClinGen allele CA354649608.